The following is an entry in ClinVar:

ClinVar aggregate classification (germline): Uncertain significance (1 of 4 stars; one submission).

Conditions:
Inborn genetic diseases. Identifiers: MedGen C0950123, MeSH D030342.

Submission:

Ambry Genetics
Classification: Uncertain significance for Inborn genetic diseases. Last evaluated: 2025-04-14. Review status: criteria provided, single submitter. Criteria: Ambry Variant Classification Scheme 2023. Collection method: clinical testing. Allele origin: germline.
Comment: The p.T1231I variant (also known as c.3692C>T), located in coding exon 25 of the ANKRD26 gene, results from a C to T substitution at nucleotide position 3692. The threonine at codon 1231 is replaced by isoleucine, an amino acid with similar properties. This amino acid position is conserved. In addition, this alteration is predicted to be tolerated by in silico analysis. Based on the available evidence, the clinical significance of this variant remains unclear.

NM_014915.3(ANKRD26):c.3692C>T (p.Thr1231Ile)

Gene: ANKRD26 (ankyrin repeat domain containing 26; minus strand). Cytogenetic location: 10p12.1.
Variant type: single nucleotide variant.
Coding change: c.3692C>T on transcript NM_014915.3 (MANE Select); coding-DNA position 3692, C replaced by T.
Protein change: p.Thr1231Ile; replaces threonine 1231 with isoleucine.
Molecular consequence: missense variant.
Genome position (GRCh38, 1-based): chr10:27,033,340, G>A on the plus strand (C>T on the coding strand, the complement: ANKRD26 is on the minus strand). VCF-style: chr10-27033340-G-A. GRCh37 (hg19) VCF-style: chr10-27322269-G-A.
Other names: c.3689C>T, p.Thr1230Ile (NM_001256053.2); short protein forms T1231I, T1230I.
Identifiers: ClinVar variation 3913744 (VCV003913744.1).
Genomic context (GRCh38, chr10:27,033,340, plus strand): 5'-TTAATACGATAACGTGACGTAACCTCCAGTGAAGCCTCTGACATAGATTGTTTTTTTAGG[G>A]TATCAGCTAGTTCTTGTTGAAGTTGTCTCACAACAACCTGATAAGACATTTTGTTACTGA-3'
Protein context (NP_055730.2, residues 1221-1241): VRQLQQELAD[Thr1231Ile]LKKQSMSEAS